The following is an entry in ClinVar:

ClinVar aggregate classification (germline): Uncertain significance (1 of 4 stars; one submission).

Allele frequency attached by ClinVar (database versions not stated): ExAC 0.00001; gnomAD exomes 0.00002; TOPMed 0.00002.
gnomAD v4.1: 28 of 1,612,232 alleles (0.0017%); highest among the groups gnomAD compares: Non-Finnish European, 0.0024%; no homozygotes.

Submission:

Labcorp Genetics (formerly Invitae), Labcorp
Classification: Uncertain significance. Last evaluated: 2025-02-26. Review status: criteria provided, single submitter. Criteria: Invitae Variant Classification Sherloc (09022015). Collection method: clinical testing. Allele origin: germline.
Comment: This sequence change falls in intron 2 of the RBP4 gene. It does not directly change the encoded amino acid sequence of the RBP4 protein. It affects a nucleotide within the consensus splice site. This variant is present in population databases (rs774499228, gnomAD 0.006%). This variant has not been reported in the literature in individuals affected with RBP4-related conditions. ClinVar contains an entry for this variant (Variation ID: 1002349). Variants that disrupt the consensus splice site are a relatively common cause of aberrant splicing (PMID: 17576681, 9536098). Algorithms developed to predict the effect of sequence changes on RNA splicing suggest that this variant may disrupt the consensus splice site. In summary, the available evidence is currently insufficient to determine the role of this variant in disease. Therefore, it has been classified as a Variant of Uncertain Significance.

Literature cited by the submitters: PubMed 17576681; PubMed 9536098.

NM_006744.4(RBP4):c.111+5G>T

Gene: RBP4 (retinol binding protein 4; minus strand). Cytogenetic location: 10q23.33.
Variant type: single nucleotide variant.
Coding change: c.111+5G>T on transcript NM_006744.4 (MANE Select); 5 bases into the intron after coding-DNA position 111, G replaced by T.
Molecular consequence: intron variant.
Genome position (GRCh38, 1-based): chr10:93,600,913, C>A on the plus strand (G>T on the coding strand, the complement: RBP4 is on the minus strand). VCF-style: chr10-93600913-C-A. GRCh37 (hg19) VCF-style: chr10-95360670-C-A.
Other names: c.105+5G>T (NM_001323518.2); c.111+5G>T (NM_001323517.1).
Identifiers: ClinVar variation 1002349 (VCV001002349.8), dbSNP rs774499228, ClinGen allele CA5609679.